The following is an entry in ClinVar:

NM_000516.7(GNAS):c.453G>A (p.Lys151=)

Gene: GNAS (GNAS complex locus; plus strand). Cytogenetic location: 20q13.32.
Variant type: single nucleotide variant.
Coding change: c.453G>A on transcript NM_000516.7 (MANE Select); coding-DNA position 453, G replaced by A.
Protein change: p.Lys151=; no amino-acid change (lysine 151 retained).
Molecular consequence: synonymous variant. On other transcripts: 3 prime UTR variant (2).
Genome position (GRCh38, 1-based): chr20:58,905,403, G>A. VCF-style: chr20-58905403-G-A. GRCh37 (hg19) VCF-style: chr20-57480458-G-A.
Other names: c.456G>A, p.Lys152= (NM_001077488.5); c.408G>A, p.Lys136= (NM_001077489.4); c.*314G>A (NM_001077490.3); c.276G>A, p.Lys92= (NM_001309840.2, NM_001309861.2); c.357G>A, p.Lys119= (NM_001410912.1); c.2337G>A, p.Lys779= (NM_001410913.1); c.*359G>A (NM_016592.5); c.2382G>A, p.Lys794= (NM_080425.4); and 1 more.
Identifiers: ClinVar variation 3350266 (VCV003350266.2).
Genomic context (GRCh38, chr20:58,905,403, plus strand): 5'-GCTCTTGCCTTTCTCTAAACTTTCTTGTGTTCACTTTCAGGAATTCTATGAGCATGCCAA[G>A]GCTCTGTGGGAGGATGAAGGAGTGCGTGCCTGCTACGAACGCTCCAACGAGTACCAGCTG-3'
Protein context (NP_000507.1, residues 141-161): DFPPEFYEHA[Lys151=]ALWEDEGVRA

ClinVar aggregate classification (germline): Likely benign. Review status: criteria provided, single submitter (1 of 4 stars). 2 submissions from 2 submitters: Likely benign (1). 1 of the submissions does not count toward it. Last evaluated 2025-09-01.

Conditions:
GNAS-related disorder. Identifiers: MedGen CN380105.

gnomAD v4.1: 10 of 1,603,524 alleles (0.00062%); highest among the groups gnomAD compares: Non-Finnish European, 0.00085%; no homozygotes.

Submissions (2):

Labcorp Genetics (formerly Invitae), Labcorp
Classification: Likely benign. Last evaluated: 2025-09-01. Review status: criteria provided, single submitter. Criteria: Invitae Variant Classification Sherloc (09022015). Collection method: clinical testing. Allele origin: germline.

PreventionGenetics, part of Exact Sciences
Classification: Likely benign for GNAS-related condition. Last evaluated: 2024-06-08. Review status: no assertion criteria provided. Collection method: clinical testing. Allele origin: germline. Not counted in ClinVar's aggregate classification.
Comment: This variant is classified as likely benign based on ACMG/AMP sequence variant interpretation guidelines (Richards et al. 2015 PMID: 25741868, with internal and published modifications).